The following is an entry in ClinVar:

ClinVar aggregate classification (germline): Benign. Review status: reviewed by expert panel (3 of 4 stars). 3 submissions from 3 submitters: Benign (1). 2 of the submissions do not count toward it. Last evaluated 2024-11-04.

Conditions:
Hereditary thrombocytopenia and hematologic cancer predisposition syndrome. Identifiers: Orphanet 71290, MedGen CN281654, MONDO:0011071.

Allele frequency attached by ClinVar (database versions not stated): TOPMed 0.80993; gnomAD 0.81294 and 0.82065; 1000 Genomes Project 30x 0.82308; 1000 Genomes Project 0.83067; gnomAD exomes 0.89985.
gnomAD v4.1: 1,376,741 of 1,543,860 alleles (89%); highest among the groups gnomAD compares: East Asian, 100%; 617,398 homozygotes.

Submissions (3):

ClinGen Myeloid Malignancy Variant Curation Expert Panel
Classification: Benign for Hereditary thrombocytopenia and hematologic cancer predisposition syndrome. Last evaluated: 2024-11-04. Review status: reviewed by expert panel. Criteria: ClinGen MyeloMalig ACMG Specifications v2. Collection method: curation. Allele origin: germline. Inheritance: Autosomal dominant inheritance.
Comment: The NM_001754.5(RUNX1):c.805+12836A>G variant is a deep intronic variant that is not predicted by SpliceAI to impact splicing (BP4). The variant's highest minor allele frequency (MAF) of 0.9987(99.87%, 1156/1558 alleles) in the East Asian subpopulation of the gnomADv2.1.1 cohort is ≥ 0.0015 (0.15%) (BP1). Additionally this variant is detected in a homozygous state in 777 individuals in a population database (gnomADv2.1.1) (BP2). This deep intronic variant is not well conserved with a phyloP100way score of -0.014 (BP7 ≤2.0). It has not been reported in individuals meeting at least one of the RUNX1 phenotypic criteria. In summary, the clinical significance of this variant is Benign. ACMG/AMP criteria applied, as specified by the Myeloid Malignancy Variant Curation Expert Panel for RUNX1: BA1, BP2, BP4, BP7.

GeneDx
Classification: Benign. Last evaluated: 2019-04-09. Review status: criteria provided, single submitter. Criteria: GeneDx Variant Classification Process June 2021. Collection method: clinical testing. Allele origin: germline. Affected: yes. Not counted in ClinVar's aggregate classification.

Breakthrough Genomics
Classification: Benign. Review status: criteria provided, single submitter. Criteria: ACMG Guidelines, 2015. Collection method: not provided. Allele origin: germline. Inheritance: Autosomal dominant inheritance. Affected: yes. Not counted in ClinVar's aggregate classification.

NM_001754.5(RUNX1):c.805+12836A>G

Gene: RUNX1 (RUNX family transcription factor 1; minus strand). Cytogenetic location: 21q22.12.
Variant type: single nucleotide variant.
Coding change: c.805+12836A>G on transcript NM_001754.5 (MANE Select); 12836 bases into the intron after coding-DNA position 805, A replaced by G.
Molecular consequence: intron variant. On other transcripts: 3 prime UTR variant (1).
Genome position (GRCh38, 1-based): chr21:34,821,574, T>C on the plus strand (A>G on the coding strand, the complement: RUNX1 is on the minus strand). VCF-style: chr21-34821574-T-C. GRCh37 (hg19) VCF-style: chr21-36193871-T-C.
Other names: c.*94A>G (NM_001122607.2); c.724+12836A>G (NM_001001890.3).
Identifiers: ClinVar variation 1260410 (VCV001260410.5), dbSNP rs2018329, ClinGen allele CA14892082.